The following is an entry in ClinVar:

ClinVar aggregate classification (germline): Uncertain significance (1 of 4 stars; one submission).

Submission:

GeneDx
Classification: Uncertain significance. Last evaluated: 2024-04-04. Review status: criteria provided, single submitter. Criteria: GeneDx Variant Classification Process June 2021. Collection method: clinical testing. Allele origin: germline. Affected: yes.
Comment: Not observed at significant frequency in large population cohorts (gnomAD); In silico analysis indicates that this missense variant does not alter protein structure/function; Has not been previously published as pathogenic or benign to our knowledge

NM_001394998.1(TANC2):c.5951T>C (p.Ile1984Thr)

Gene: TANC2 (tetratricopeptide repeat, ankyrin repeat and coiled-coil containing 2; plus strand). Cytogenetic location: 17q23.3.
Variant type: single nucleotide variant.
Coding change: c.5951T>C on transcript NM_001394998.1 (MANE Select); coding-DNA position 5951, T replaced by C.
Protein change: p.Ile1984Thr; replaces isoleucine 1984 with threonine.
Molecular consequence: missense variant.
Genome position (GRCh38, 1-based): chr17:63,421,681, T>C. VCF-style: chr17-63421681-T-C. GRCh37 (hg19) VCF-style: chr17-61499042-T-C.
Other names: c.5729T>C, p.Ile1910Thr (NM_001411076.1); c.5699T>C, p.Ile1900Thr (NM_025185.4); short protein forms I1900T, I1910T, I1984T.
Identifiers: ClinVar variation 3371897 (VCV003371897.1).